The following is an entry in ClinVar:

ClinVar aggregate classification (germline): Benign (1 of 4 stars; one submission).

Conditions:
Familial cancer of breast. Also called: hereditary breast carcinoma; BREAST CANCER, FAMILIAL; Hereditary breast cancer. Identifiers: Orphanet 227535, MedGen C0346153, MONDO:0016419, OMIM 114480. Disease mechanism: loss of function.

Submission:

Myriad Genetics, Inc.
Classification: Benign for Familial cancer of breast. Last evaluated: 2024-06-25. Review status: criteria provided, single submitter. Criteria: Myriad Autosomal Dominant, Autosomal Recessive and X-Linked Classification Criteria (2023). Collection method: clinical testing. Allele origin: unknown.
Comment: This variant is considered benign. This variant is a silent/synonymous amino acid change and it is not expected to impact splicing.

NM_000051.4(ATM):c.9123C>T (p.Asp3041=)

Genes: ATM (ATM serine/threonine kinase; plus strand), C11orf65 (chromosome 11 open reading frame 65; minus strand). Cytogenetic location: 11q22.3.
Variant type: single nucleotide variant.
Coding change: c.9123C>T on transcript NM_000051.4 (MANE Select); coding-DNA position 9123, C replaced by T.
Protein change: p.Asp3041=; no amino-acid change (aspartic acid 3041 retained).
Molecular consequence: synonymous variant. On other transcripts: intron variant (2).
Genome position (GRCh38, 1-based): chr11:108,365,460, C>T. VCF-style: chr11-108365460-C-T. GRCh37 (hg19) VCF-style: chr11-108236187-C-T.
Other names: c.9123C>T, p.Asp3041= (NM_001351834.2); c.640+20460G>A (NM_001330368.2); c.694+20460G>A (NM_001351110.2).
Identifiers: ClinVar variation 3253890 (VCV003253890.1), dbSNP rs2137924911.
Genomic context (GRCh38, chr11:108,365,460, plus strand): 5'-AGAAGGCACTGTGCTCAGTGTTGGTGGACAAGTGAATTTGCTCATACAGCAGGCCATAGA[C>T]CCCAAAAATCTCAGCCGACTTTTCCCAGGATGGAAAGCTTGGGTGTGATCTTCAGTATAT-3'
Protein context (NP_000042.3, residues 3031-3051): QVNLLIQQAI[Asp3041=]PKNLSRLFPG